The following is an entry in ClinVar:

ClinVar aggregate classification (germline): Uncertain significance (1 of 4 stars; one submission).

Submission:

Kariminejad - Najmabadi Pathology & Genetics Center
Classification: Uncertain significance. Last evaluated: 2022-05-15. Review status: criteria provided, single submitter. Criteria: ACMG Guidelines, 2015. Collection method: clinical testing. Allele origin: germline. Inheritance: Autosomal recessive inheritance. Affected: yes.
Comment: PM2, PP2, BP4

NM_000334.4(SCN4A):c.2730C>A (p.Asp910Glu)

Genes: GH-LCR (growth hormone locus control region; plus strand), SCN4A (sodium voltage-gated channel alpha subunit 4; minus strand). Cytogenetic location: 17q23.3.
Variant type: single nucleotide variant.
Coding change: c.2730C>A on transcript NM_000334.4 (MANE Select); coding-DNA position 2730, C replaced by A.
Protein change: p.Asp910Glu; replaces aspartic acid 910 with glutamic acid.
Molecular consequence: missense variant.
Genome position (GRCh38, 1-based): chr17:63,951,547, G>T on the plus strand (C>A on the coding strand, the complement: SCN4A is on the minus strand). VCF-style: chr17-63951547-G-T. GRCh37 (hg19) VCF-style: chr17-62028907-G-T.
Other names: short protein forms D910E.
Identifiers: ClinVar variation 3896986 (VCV003896986.1).
Genomic context (GRCh38, chr17:63,951,547, plus strand): 5'-CTCCTCGGAGGCGATGGGCACCTGTATGGTCAGGTAGGGGTTGTTGATGAAGTTAAGGTG[G>T]TCCAGCTCGAGGCTGGATGGGGGGCCGTCAGCCAGGCCCATGTGGTTCAGGATGTGATTG-3'
Protein context (NP_000325.4, residues 900-920): ADGPPSSLEL[Asp910Glu]HLNFINNPYL